The following is an entry in ClinVar:

NM_001258392.3(CLPB):c.719T>C (p.Leu240Ser)

Gene: CLPB (ClpB family mitochondrial disaggregase; minus strand). Cytogenetic location: 11q13.4.
Variant type: single nucleotide variant.
Coding change: c.719T>C on transcript NM_001258392.3 (MANE Select); coding-DNA position 719, T replaced by C.
Protein change: p.Leu240Ser; replaces leucine 240 with serine.
Molecular consequence: missense variant.
Genome position (GRCh38, 1-based): chr11:72,358,936, A>G on the plus strand (T>C on the coding strand, the complement: CLPB is on the minus strand). VCF-style: chr11-72358936-A-G. GRCh37 (hg19) VCF-style: chr11-72069980-A-G.
Other names: c.632T>C, p.Leu211Ser (NM_001258393.3); c.674T>C, p.Leu225Ser (NM_001258394.3); c.809T>C, p.Leu270Ser (NM_030813.6); short protein forms L211S, L225S, L240S, L270S.
Identifiers: ClinVar variation 5008988 (VCV005008988.1).
Genomic context (GRCh38, chr11:72,358,936, plus strand): 5'-TCACCTCCATCAAGCAGCTCCTTGACAGTGCGGTAGTCATCAGCAAGAACAGCATAGTGC[A>G]AGGCCGTGCAGCCCTTGAAACTGGCGCGGTTGTTCAGCCTGTTGTTGAAGTCATCCTCTC-3'
Protein context (NP_001245321.1, residues 230-250): NRASFKGCTA[Leu240Ser]HYAVLADDYR

ClinVar aggregate classification (germline): Uncertain significance (1 of 4 stars; one submission).

Submission:

GeneDx
Classification: Uncertain significance. Last evaluated: 2026-02-15. Review status: criteria provided, single submitter. Criteria: GeneDx Variant Classification Process June 2021. Collection method: clinical testing. Allele origin: germline.
Comment: Not observed at significant frequency in large population cohorts (gnomAD); In silico analysis supports that this missense variant has a deleterious effect on protein structure/function; Has not been previously published as pathogenic or benign to our knowledge